The following is an entry in ClinVar:

NM_002010.3(FGF9):c.217C>T (p.His73Tyr)

Gene: FGF9 (fibroblast growth factor 9; plus strand). Cytogenetic location: 13q12.11.
Variant type: single nucleotide variant.
Coding change: c.217C>T on transcript NM_002010.3 (MANE Select); coding-DNA position 217, C replaced by T.
Protein change: p.His73Tyr; replaces histidine 73 with tyrosine.
Molecular consequence: missense variant.
Genome position (GRCh38, 1-based): chr13:21,672,129, C>T. VCF-style: chr13-21672129-C-T. GRCh37 (hg19) VCF-style: chr13-22246268-C-T.
Other names: short protein forms H73Y.
Identifiers: ClinVar variation 3653530 (VCV003653530.2).
Genomic context (GRCh38, chr13:21,672,129, plus strand): 5'-GACTTGGATCATTTAAAGGGGATTCTCAGGCGGAGGCAGCTATACTGCAGGACTGGATTT[C>T]ACTTAGAAATCTTCCCCAATGGTACTATCCAGGGAACCAGGAAAGACCACAGCCGATTTG-3'
Protein context (NP_002001.1, residues 63-83): RRQLYCRTGF[His73Tyr]LEIFPNGTIQ

ClinVar aggregate classification (germline): Uncertain significance (1 of 4 stars; one submission).

Submission:

Labcorp Genetics (formerly Invitae), Labcorp
Classification: Uncertain significance. Last evaluated: 2024-05-15. Review status: criteria provided, single submitter. Criteria: Invitae Variant Classification Sherloc (09022015). Collection method: clinical testing. Allele origin: germline.
Comment: This sequence change replaces histidine, which is basic and polar, with tyrosine, which is neutral and polar, at codon 73 of the FGF9 protein (p.His73Tyr). This variant is not present in population databases (gnomAD no frequency). This variant has not been reported in the literature in individuals affected with FGF9-related conditions. An algorithm developed to predict the effect of missense changes on protein structure and function (PolyPhen-2) suggests that this variant is likely to be disruptive. In summary, the available evidence is currently insufficient to determine the role of this variant in disease. Therefore, it has been classified as a Variant of Uncertain Significance.